The following is an entry in ClinVar:

ClinVar aggregate classification (germline): Likely benign. Review status: criteria provided, multiple submitters, no conflicts (2 of 4 stars). 5 submissions from 5 submitters: Likely benign (5). Last evaluated 2025-07-27.

Conditions:
Cardiovascular phenotype. Identifiers: MedGen CN230736.
Cardiomyopathy (CMYO). Also called: Cardiomyopathies. Identifiers: Orphanet 167848, MedGen C0878544, MONDO:0004994, HP:0001638. Inheritance: Various modes of inheritance.
Catecholaminergic polymorphic ventricular tachycardia 1. Also called: RYR2-Related Catecholaminergic Polymorphic Ventricular Tachycardia; VENTRICULAR TACHYCARDIA, CATECHOLAMINERGIC POLYMORPHIC, 1, WITH OR WITHOUT ATRIAL DYSFUNCTION AND/OR DILATED CARDIOMYOPATHY; VENTRICULAR TACHYCARDIA, STRESS-INDUCED POLYMORPHIC 1. Identifiers: Orphanet 3286, MedGen C1631597, MONDO:0011484, OMIM 604772.

Allele frequency attached by ClinVar (database versions not stated): gnomAD exomes below 0.00001 and 0.00001; ExAC 0.00002; gnomAD 0.00002; TOPMed 0.00003; ESP Exome Variant Server 0.00016.
gnomAD v4.1: 6 of 1,613,882 alleles (0.00037%); highest among the groups gnomAD compares: African/African-American, 0.008%; no homozygotes.

Submissions (5):

Labcorp Genetics (formerly Invitae), Labcorp
Classification: Likely benign for Catecholaminergic polymorphic ventricular tachycardia 1. Last evaluated: 2025-07-27. Review status: criteria provided, single submitter. Criteria: Invitae Variant Classification Sherloc (09022015). Collection method: clinical testing. Allele origin: germline.

Mayo Clinic Laboratories, Mayo Clinic
Classification: Likely benign. Last evaluated: 2025-05-02. Review status: criteria provided, single submitter. Criteria: ACMG Guidelines, 2015. Collection method: clinical testing. Allele origin: germline. Observed: 1 variant allele.
Comment: BP4, BP7, PM2_supporting

Color Diagnostics, LLC DBA Color Health
Classification: Likely benign for Cardiomyopathy. Last evaluated: 2022-11-06. Review status: criteria provided, single submitter. Criteria: ACMG Guidelines, 2015. Collection method: clinical testing. Allele origin: germline.

Ambry Genetics
Classification: Likely benign for Cardiovascular phenotype. Last evaluated: 2019-12-23. Review status: criteria provided, single submitter. Criteria: Ambry Variant Classification Scheme 2023. Collection method: clinical testing. Allele origin: germline.

GeneDx
Classification: Likely benign. Last evaluated: 2017-12-18. Review status: criteria provided, single submitter. Criteria: GeneDx Variant Classification (06012015). Collection method: clinical testing. Allele origin: germline. Affected: yes.
Comment: This variant is considered likely benign or benign based on one or more of the following criteria: it is a conservative change, it occurs at a poorly conserved position in the protein, it is predicted to be benign by multiple in silico algorithms, and/or has population frequency not consistent with disease.

NM_001035.3(RYR2):c.5517G>A (p.Leu1839=)

Gene: RYR2 (ryanodine receptor 2; plus strand). Cytogenetic location: 1q43.
Variant type: single nucleotide variant.
Coding change: c.5517G>A on transcript NM_001035.3 (MANE Select); coding-DNA position 5517, G replaced by A.
Protein change: p.Leu1839=; no amino-acid change (leucine 1839 retained).
Molecular consequence: synonymous variant.
Genome position (GRCh38, 1-based): chr1:237,614,645, G>A. VCF-style: chr1-237614645-G-A. GRCh37 (hg19) VCF-style: chr1-237777945-G-A.
Other names: p.Leu1839=; c.5517G>A, p.Leu1839= (LRG_402t1).
Identifiers: ClinVar variation 516598 (VCV000516598.9), dbSNP rs369835453, ClinGen allele CA086899.
Genomic context (GRCh38, chr1:237,614,645, plus strand): 5'-ACCTCTCATCAAGCTTTTCTATACCCTGCTGATCATGGGCATCTTTCACAACGAGGACTT[G>A]AAGCACATCTTGCAGTTGATTGAGCCCAGTGTGTTTAAAGAAGCTGCCACTCCGGAGGAG-3'
Protein context (NP_001026.2, residues 1829-1849): LIMGIFHNED[Leu1839=]KHILQLIEPS